The following is an entry in ClinVar:

ClinVar aggregate classification (germline): Uncertain significance (1 of 4 stars; one submission).

Conditions:
Combined malonic and methylmalonic acidemia. Identifiers: Orphanet 289504, MedGen C3280314, MONDO:0013661, OMIM 614265.

Allele frequency attached by ClinVar (database versions not stated): gnomAD exomes 0.00001.
gnomAD v4.1: 8 of 1,613,794 alleles (0.0005%); highest among the groups gnomAD compares: Non-Finnish European, 0.00068%; no homozygotes.

Submission:

Labcorp Genetics (formerly Invitae), Labcorp
Classification: Uncertain significance for Combined malonic and methylmalonic acidemia. Last evaluated: 2023-09-01. Review status: criteria provided, single submitter. Criteria: Invitae Variant Classification Sherloc (09022015). Collection method: clinical testing. Allele origin: germline.
Comment: This variant is not present in population databases (gnomAD no frequency). This sequence change replaces glutamine, which is neutral and polar, with proline, which is neutral and non-polar, at codon 112 of the ACSF3 protein (p.Gln112Pro). This variant has not been reported in the literature in individuals affected with ACSF3-related conditions. In summary, the available evidence is currently insufficient to determine the role of this variant in disease. Therefore, it has been classified as a Variant of Uncertain Significance. Advanced modeling of protein sequence and biophysical properties (such as structural, functional, and spatial information, amino acid conservation, physicochemical variation, residue mobility, and thermodynamic stability) performed at Invitae indicates that this missense variant is expected to disrupt ACSF3 protein function.

NM_001243279.3(ACSF3):c.335A>C (p.Gln112Pro)

Gene: ACSF3 (acyl-CoA synthetase family member 3; plus strand). Cytogenetic location: 16q24.3.
Variant type: single nucleotide variant.
Coding change: c.335A>C on transcript NM_001243279.3 (MANE Select); coding-DNA position 335, A replaced by C.
Protein change: p.Gln112Pro; replaces glutamine 112 with proline.
Molecular consequence: missense variant. On other transcripts: non-coding transcript variant (3), intron variant (1).
Genome position (GRCh38, 1-based): chr16:89,101,016, A>C. VCF-style: chr16-89101016-A-C. GRCh37 (hg19) VCF-style: chr16-89167424-A-C.
Other names: c.335A>C, p.Gln112Pro (NM_001127214.4, NM_174917.5); c.-129-1588A>C (NM_001284316.2); short protein forms Q112P.
Identifiers: ClinVar variation 3000538 (VCV003000538.3), dbSNP rs2543521806, ClinGen allele CA397133897.